The following is an entry in ClinVar:

NM_004519.4(KCNQ3):c.2305C>T (p.Pro769Ser)

Gene: KCNQ3 (potassium voltage-gated channel subfamily Q member 3; minus strand). Cytogenetic location: 8q24.22.
Variant type: single nucleotide variant.
Coding change: c.2305C>T on transcript NM_004519.4 (MANE Select); coding-DNA position 2305, C replaced by T.
Protein change: p.Pro769Ser; replaces proline 769 with serine.
Molecular consequence: missense variant.
Genome position (GRCh38, 1-based): chr8:132,129,576, G>A on the plus strand (C>T on the coding strand, the complement: KCNQ3 is on the minus strand). VCF-style: chr8-132129576-G-A. GRCh37 (hg19) VCF-style: chr8-133141823-G-A.
Other names: c.1945C>T, p.Pro649Ser (NM_001204824.2); short protein forms P649S, P769S.
Identifiers: ClinVar variation 4531149 (VCV004531149.1).
Genomic context (GRCh38, chr8:132,129,576, plus strand): 5'-GTGTGTCACTGTCTCGCGTGATGCTACGTCTCTGCCGGGGGGAGATTCGGTCCGAGTAGG[G>A]GCCCTGCAGGTCAGCCTGGGAGTGGCAGCTCACTCGGGAGTCGAGAAGAGTCAAGATAGG-3'
Protein context (NP_004510.1, residues 759-779): SCHSQADLQG[Pro769Ser]YSDRISPRQR

ClinVar aggregate classification (germline): Uncertain significance (1 of 4 stars; one submission).

gnomAD v4.1: 2 of 1,614,040 alleles (0.00012%); highest among the groups gnomAD compares: East Asian, 0.0045%; no homozygotes.

Submission:

GeneDx
Classification: Uncertain significance. Last evaluated: 2025-05-21. Review status: criteria provided, single submitter. Criteria: GeneDx Variant Classification Process June 2021. Collection method: clinical testing. Allele origin: germline. Affected: yes.
Comment: In silico analysis suggests that this missense variant does not alter protein structure/function; Has not been previously published as pathogenic or benign to our knowledge